The following is an entry in ClinVar:

NM_002386.4(MC1R):c.803C>G (p.Pro268Arg)

Gene: MC1R (melanocortin 1 receptor; plus strand). Cytogenetic location: 16q24.3.
Variant type: single nucleotide variant.
Coding change: c.803C>G on transcript NM_002386.4 (MANE Select); coding-DNA position 803, C replaced by G.
Protein change: p.Pro268Arg; replaces proline 268 with arginine.
Molecular consequence: missense variant.
Genome position (GRCh38, 1-based): chr16:89,920,061, C>G. VCF-style: chr16-89920061-C-G. GRCh37 (hg19) VCF-style: chr16-89986469-C-G.
Other names: short protein forms P268R.
Identifiers: ClinVar variation 1010119 (VCV001010119.10), dbSNP rs527697723, ClinGen allele CA8255751.
Genomic context (GRCh38, chr16:89,920,061, plus strand): 5'-GCATTTTCTTCCTCTGCTGGGGCCCCTTCTTCCTGCATCTCACACTCATCGTCCTCTGCC[C>G]CGAGCACCCCACGTGCGGCTGCATCTTCAAGAACTTCAACCTCTTTCTCGCCCTCATCAT-3'
Protein context (NP_002377.4, residues 258-278): FLHLTLIVLC[Pro268Arg]EHPTCGCIFK

ClinVar aggregate classification (germline): Uncertain significance. Review status: criteria provided, multiple submitters, no conflicts (2 of 4 stars). 2 submissions from 2 submitters: Uncertain significance (2). Last evaluated 2024-05-06.

Conditions:
Melanoma, cutaneous malignant, susceptibility to, 5. Also called: Cutaneous malignant melanoma 5. Identifiers: Orphanet 618, MedGen C2751295, MONDO:0013133, OMIM 613099.
Tyrosinase-positive oculocutaneous albinism (OCA2). Also called: ALBINISM II; Oculocutaneous albinism type 2; Albinism, oculocutaneous, type II. Identifiers: Orphanet 79432, MedGen C0268495, MONDO:0008746, OMIM 203200.
Increased analgesia from kappa-opioid receptor agonist, female-specific. Identifiers: MedGen C2751296, OMIM 613098.
SKIN/HAIR/EYE PIGMENTATION, VARIATION IN, 2 (SHEP2). Also called: BLOND HAIR/FAIR SKIN; HAIR COLOR 2; RED HAIR COLOR. Identifiers: MedGen C1849452, OMIM 266300.

Allele frequency attached by ClinVar (database versions not stated): gnomAD 0.00010 and 0.00011; TOPMed 0.00012; 1000 Genomes Project 30x 0.00016; 1000 Genomes Project 0.00020.

Submissions (2):

Labcorp Genetics (formerly Invitae), Labcorp
Classification: Uncertain significance for Melanoma, cutaneous malignant, susceptibility to, 5. Last evaluated: 2024-05-06. Review status: criteria provided, single submitter. Criteria: Invitae Variant Classification Sherloc (09022015). Collection method: clinical testing. Allele origin: germline.
Comment: This sequence change replaces proline, which is neutral and non-polar, with arginine, which is basic and polar, at codon 268 of the MC1R protein (p.Pro268Arg). This variant is present in population databases (rs527697723, gnomAD 0.05%). This missense change has been observed in individual(s) with melanoma (PMID: 24335900). ClinVar contains an entry for this variant (Variation ID: 1010119). Advanced modeling of protein sequence and biophysical properties (such as structural, functional, and spatial information, amino acid conservation, physicochemical variation, residue mobility, and thermodynamic stability) performed at Invitae indicates that this missense variant is not expected to disrupt MC1R protein function with a negative predictive value of 80%. In summary, the available evidence is currently insufficient to determine the role of this variant in disease. Therefore, it has been classified as a Variant of Uncertain Significance.

Fulgent Genetics
Classification: Uncertain significance for Tyrosinase-positive oculocutaneous albinism; SKIN/HAIR/EYE PIGMENTATION, VARIATION IN, 2; Increased analgesia from kappa-opioid receptor agonist, female-specific; Melanoma, cutaneous malignant, susceptibility to, 5. Last evaluated: 2021-09-09. Review status: criteria provided, single submitter. Criteria: ACMG Guidelines, 2015. Collection method: clinical testing. Allele origin: unknown.

Literature cited by the submitters: PubMed 24335900 (cited by Labcorp Genetics (formerly Invitae), Labcorp).